The following is an entry in ClinVar:

ClinVar aggregate classification (germline): Uncertain significance. Review status: criteria provided, multiple submitters, no conflicts (2 of 4 stars). 2 submissions from 2 submitters: Uncertain significance (2). Last evaluated 2024-03-18.

Conditions:
Neuropathy, hereditary sensory and autonomic, type 2A (HSAN2A). Also called: HSAN IIA; ACROOSTEOLYSIS, GIACCAI TYPE; ACROOSTEOLYSIS, NEUROGENIC; WNK1-Related HSAN2 (HSAN2A); MORVAN DISEASE; NEUROPATHY, CONGENITAL SENSORY. Identifiers: Orphanet 970, MedGen C2752089, MONDO:0024309, OMIM 201300.
Pseudohypoaldosteronism type 2C (PHA2C). Also called: Pseudohypoaldosteronism Type IIC. Identifiers: Orphanet 757, Orphanet 88940, MedGen C1840391, MONDO:0013778, OMIM 614492.

Allele frequency attached by ClinVar (database versions not stated): gnomAD exomes below 0.00001.
gnomAD v4.1: 1 of 1,613,290 alleles (0.000062%); highest among the groups gnomAD compares: African/African-American, 0.0013%; no homozygotes.

Submissions (2):

Fulgent Genetics
Classification: Uncertain significance for Neuropathy, hereditary sensory and autonomic, type 2A; Pseudohypoaldosteronism type 2C. Last evaluated: 2024-03-18. Review status: criteria provided, single submitter. Criteria: ACMG Guidelines, 2015. Collection method: clinical testing. Allele origin: germline.

Labcorp Genetics (formerly Invitae), Labcorp
Classification: Uncertain significance for Neuropathy, hereditary sensory and autonomic, type 2A; Pseudohypoaldosteronism type 2C. Last evaluated: 2018-04-04. Review status: criteria provided, single submitter. Criteria: Invitae Variant Classification Sherloc (09022015). Collection method: clinical testing. Allele origin: germline.
Comment: Algorithms developed to predict the effect of sequence changes on RNA splicing suggest that this variant may create or strengthen a splice site, but this prediction has not been confirmed by published transcriptional studies. Algorithms developed to predict the effect of missense changes on protein structure and function do not agree on the potential impact of this missense change (SIFT: "Deleterious"; PolyPhen-2: "Benign"; Align-GVGD: "Class C0"). This variant has not been reported in the literature in individuals with WNK1-related disease. This variant is not present in population databases (ExAC no frequency). This sequence change replaces arginine with lysine at codon 2021 of the WNK1 protein (p.Arg2021Lys). The arginine residue is highly conserved and there is a small physicochemical difference between arginine and lysine. In summary, the available evidence is currently insufficient to determine the role of this variant in disease. Therefore, it has been classified as a Variant of Uncertain Significance.

NM_018979.4(WNK1):c.6062G>A (p.Arg2021Lys)

Gene: WNK1 (WNK lysine deficient protein kinase 1; plus strand). Cytogenetic location: 12p13.33.
Variant type: single nucleotide variant.
Coding change: c.6062G>A on transcript NM_018979.4 (MANE Select); coding-DNA position 6062, G replaced by A.
Protein change: p.Arg2021Lys; replaces arginine 2021 with lysine.
Molecular consequence: missense variant.
Genome position (GRCh38, 1-based): chr12:896,549, G>A. VCF-style: chr12-896549-G-A. GRCh37 (hg19) VCF-style: chr12-1005715-G-A.
Other names: c.6842G>A, p.Arg2281Lys (NM_001184985.2); c.5318G>A, p.Arg1773Lys (NM_014823.3); c.6818G>A, p.Arg2273Lys (NM_213655.5); short protein forms R2273K, R2021K, R1773K, R2281K.
Identifiers: ClinVar variation 567828 (VCV000567828.9), dbSNP rs1565604539, ClinGen allele CA383336331.